The following is an entry in ClinVar:

ClinVar aggregate classification (germline): Uncertain significance. Review status: criteria provided, multiple submitters, no conflicts (2 of 4 stars). 2 submissions from 2 submitters: Uncertain significance (2). Last evaluated 2025-08-02.

Conditions:
Inborn genetic diseases. Identifiers: MedGen C0950123, MeSH D030342.

Allele frequency attached by ClinVar (database versions not stated): ExAC 0.00001.

Submissions (2):

Ambry Genetics
Classification: Uncertain significance for Inborn genetic diseases. Last evaluated: 2025-08-02. Review status: criteria provided, single submitter. Criteria: Ambry Variant Classification Scheme 2023. Collection method: clinical testing. Allele origin: germline.

Labcorp Genetics (formerly Invitae), Labcorp
Classification: Uncertain significance. Last evaluated: 2024-05-15. Review status: criteria provided, single submitter. Criteria: Invitae Variant Classification Sherloc (09022015). Collection method: clinical testing. Allele origin: germline.
Comment: This sequence change replaces valine, which is neutral and non-polar, with methionine, which is neutral and non-polar, at codon 129 of the GPAA1 protein (p.Val129Met). The frequency data for this variant in the population databases is considered unreliable, as metrics indicate poor data quality at this position in the gnomAD database. This variant has not been reported in the literature in individuals affected with GPAA1-related conditions. ClinVar contains an entry for this variant (Variation ID: 2149088). Advanced modeling of protein sequence and biophysical properties (such as structural, functional, and spatial information, amino acid conservation, physicochemical variation, residue mobility, and thermodynamic stability) performed at Invitae indicates that this missense variant is not expected to disrupt GPAA1 protein function with a negative predictive value of 80%. In summary, the available evidence is currently insufficient to determine the role of this variant in disease. Therefore, it has been classified as a Variant of Uncertain Significance.

NM_003801.4(GPAA1):c.385G>A (p.Val129Met)

Gene: GPAA1 (glycosylphosphatidylinositol anchor attachment 1; plus strand). Cytogenetic location: 8q24.3.
Variant type: single nucleotide variant.
Coding change: c.385G>A on transcript NM_003801.4 (MANE Select); coding-DNA position 385, G replaced by A.
Protein change: p.Val129Met; replaces valine 129 with methionine.
Molecular consequence: missense variant.
Genome position (GRCh38, 1-based): chr8:144,083,732, G>A. VCF-style: chr8-144083732-G-A. GRCh37 (hg19) VCF-style: chr8-145138635-G-A.
Other names: c.385G>A (NM_003801.3); short protein forms V129M.
Identifiers: ClinVar variation 2149088 (VCV002149088.5), dbSNP rs782198831, ClinGen allele CA4932810.